The following is an entry in ClinVar:

ClinVar aggregate classification (germline): Uncertain significance (1 of 4 stars; one submission).

Conditions:
Fibrous dysplasia of jaw (CRBM). Also called: Cherubism. Identifiers: Orphanet 184, MedGen C0008029, MONDO:0007315, OMIM 118400.

Allele frequency attached by ClinVar (database versions not stated): TOPMed below 0.00001; gnomAD 0.00001.
gnomAD v4.1: 3 of 1,613,580 alleles (0.00019%); highest among the groups gnomAD compares: Admixed American, 0.005%; no homozygotes.

Submission:

Labcorp Genetics (formerly Invitae), Labcorp
Classification: Uncertain significance for Fibrous dysplasia of jaw. Last evaluated: 2020-10-28. Review status: criteria provided, single submitter. Criteria: Invitae Variant Classification Sherloc (09022015). Collection method: clinical testing. Allele origin: germline.
Comment: This sequence change replaces cysteine with serine at codon 315 of the SH3BP2 protein (p.Cys315Ser). The cysteine residue is weakly conserved and there is a moderate physicochemical difference between cysteine and serine. This variant is not present in population databases (ExAC no frequency). This variant has not been reported in the literature in individuals with SH3BP2-related conditions. Algorithms developed to predict the effect of missense changes on protein structure and function output the following: SIFT: "Tolerated"; PolyPhen-2: "Benign"; Align-GVGD: "Class C0". The serine amino acid residue is found in multiple mammalian species, suggesting that this missense change does not adversely affect protein function. These predictions have not been confirmed by published functional studies and their clinical significance is uncertain. In summary, the available evidence is currently insufficient to determine the role of this variant in disease. Therefore, it has been classified as a Variant of Uncertain Significance.

NM_001122681.2(SH3BP2):c.944G>C (p.Cys315Ser)

Gene: SH3BP2 (SH3 domain binding protein 2; plus strand). Cytogenetic location: 4p16.3.
Variant type: single nucleotide variant.
Coding change: c.944G>C on transcript NM_001122681.2 (MANE Select); coding-DNA position 944, G replaced by C.
Protein change: p.Cys315Ser; replaces cysteine 315 with serine.
Molecular consequence: missense variant.
Genome position (GRCh38, 1-based): chr4:2,829,850, G>C. VCF-style: chr4-2829850-G-C. GRCh37 (hg19) VCF-style: chr4-2831577-G-C.
Other names: c.1028G>C, p.Cys343Ser (NM_001145855.2); c.1115G>C, p.Cys372Ser (NM_001145856.2); c.944G>C, p.Cys315Ser (NM_003023.4); short protein forms C315S, C343S, C372S.
Identifiers: ClinVar variation 1523031 (VCV001523031.8), dbSNP rs1312017070, ClinGen allele CA356056479.